The following is an entry in ClinVar:

NM_004972.4(JAK2):c.3291+6A>T

Genes: INSL6 (insulin like 6; minus strand), JAK2 (Janus kinase 2; plus strand). Cytogenetic location: 9p24.1.
Variant type: single nucleotide variant.
Coding change: c.3291+6A>T on transcript NM_004972.4 (MANE Select); 6 bases into the intron after coding-DNA position 3291, A replaced by T.
Molecular consequence: intron variant.
Genome position (GRCh38, 1-based): chr9:5,126,452, A>T. VCF-style: chr9-5126452-A-T. GRCh37 (hg19) VCF-style: chr9-5126452-A-T.
Other names: c.2076+6A>T (NM_001322199.2, NM_001322198.2); c.2844+6A>T (NM_001322204.2); c.3291+6A>T (NM_001322194.2, NM_001322195.2, NM_001322196.2).
Identifiers: ClinVar variation 3672043 (VCV003672043.2).
Genomic context (GRCh38, chr9:5,126,452, plus strand): 5'-AGAACTTTTGAAGAATAATGGAAGATTACCAAGACCAGATGGATGCCCAGATGAGGTAAC[A>T]ATTTTTTTTTAATCCAGGGTAGTCATGCATTTTCTTTTACTTTTTACTCAAGGACTTCAG-3'

ClinVar aggregate classification (germline): Uncertain significance (1 of 4 stars; one submission).

Submission:

Labcorp Genetics (formerly Invitae), Labcorp
Classification: Uncertain significance. Last evaluated: 2024-05-06. Review status: criteria provided, single submitter. Criteria: Invitae Variant Classification Sherloc (09022015). Collection method: clinical testing. Allele origin: germline.
Comment: This sequence change falls in intron 24 of the JAK2 gene. It does not directly change the encoded amino acid sequence of the JAK2 protein. It affects a nucleotide within the consensus splice site. This variant is not present in population databases (gnomAD no frequency). This variant has not been reported in the literature in individuals affected with JAK2-related conditions. Variants that disrupt the consensus splice site are a relatively common cause of aberrant splicing (PMID: 17576681, 9536098). Algorithms developed to predict the effect of sequence changes on RNA splicing suggest that this variant is not likely to affect RNA splicing. In summary, the available evidence is currently insufficient to determine the role of this variant in disease. Therefore, it has been classified as a Variant of Uncertain Significance.

Literature cited by the submitters: PubMed 17576681; PubMed 9536098.